The following is an entry in ClinVar:

ClinVar aggregate classification (germline): Pathogenic (1 of 4 stars; one submission).

Conditions:
Hereditary cancer-predisposing syndrome. Also called: Neoplastic Syndromes, Hereditary; Hereditary Cancer Syndrome; Tumor predisposition; Hereditary neoplastic syndrome. Identifiers: Orphanet 140162, MedGen C0027672, MeSH D009386, MONDO:0015356.

Submission:

GeneKor MSA
Classification: Pathogenic for Hereditary cancer-predisposing syndrome. Last evaluated: 2020-01-01. Review status: criteria provided, single submitter. Criteria: ACMG Guidelines, 2015. Collection method: clinical testing. Allele origin: germline. Affected: yes.
Comment: This is a frameshift variant in exon 4 of the MSH6 mRNA resulting in an unrecognizable protein product after codon 293 and the creation of a novel translational termination signal 18 amino acid residues later. The protein thus produced is expected to be truncated and non-functional. Truncating variants MSH6 are known to be pathogenic (PMID: 24362816, 18269114). This variant has been described in the international literature in an individual undergoing panel testing for hereditary syndrome (PMID: 31159747).

NM_000179.2(MSH6):c.878_880delinsT (p.Pro293Leufs)

Gene: MSH6 (mutS homolog 6; plus strand). Cytogenetic location: 2p16.3.
Variant type: Indel.
Coding change: c.878_880delinsT on transcript NM_000179.2; coding-DNA positions 878 to 880, CTG replaced by T.
Protein change: p.Pro293Leufs; shifts the reading frame from proline 293.
Molecular consequence: frameshift variant (on NM_000179.3). On other transcripts: 5 prime UTR variant (2).
Genome position (GRCh38, 1-based): chr2:47,798,861-47,798,863, CTG replaced by T. VCF-style: chr2-47798861-CTG-T. GRCh37 (hg19) VCF-style: chr2-48026000-CTG-T.
Other names: c.878_880delinsT, p.Pro293fs (NM_000179.3); c.488_490delinsT, p.Pro163fs (NM_001281492.2); c.-29_-27delinsT (NM_001281493.2, NM_001281494.2); short protein forms P163fs, P293fs.
Identifiers: ClinVar variation 584469 (VCV000584469.2), dbSNP rs1558659626, ClinGen allele CA891842825.